The following is an entry in ClinVar:

ClinVar aggregate classification (germline): Uncertain significance. Review status: criteria provided, multiple submitters, no conflicts (2 of 4 stars). 5 submissions from 5 submitters: Uncertain significance (5). Last evaluated 2026-03-24.

Conditions:
Hereditary cancer-predisposing syndrome. Also called: Hereditary neoplastic syndrome; Neoplastic Syndromes, Hereditary; Hereditary Cancer Syndrome; Tumor predisposition. Identifiers: Orphanet 140162, MedGen C0027672, MeSH D009386, MONDO:0015356.
Oligodontia-cancer predisposition syndrome. Also called: TOOTH AGENESIS-COLORECTAL CANCER SYNDROME. Identifiers: Orphanet 300576, MedGen C1837750, MONDO:0012075, OMIM 608615. Disease mechanism: loss of function.
Colorectal cancer. Also called: Malignant Colorectal Neoplasm; Colorectal cancer, somatic. Identifiers: MedGen C0346629, MONDO:0005575, OMIM 114500.

Allele frequency attached by ClinVar (database versions not stated): ExAC 0.00002; TOPMed 0.00002; gnomAD 0.00003 and 0.00004; gnomAD exomes 0.00003.

Submissions (5):

Ambry Genetics
Classification: Uncertain significance for Hereditary cancer-predisposing syndrome. Last evaluated: 2026-03-24. Review status: criteria provided, single submitter. Criteria: Ambry Variant Classification Scheme 2023. Collection method: clinical testing. Allele origin: germline.
Comment: The p.P353L variant (also known as c.1058C>T), located in coding exon 3 of the AXIN2 gene, results from a C to T substitution at nucleotide position 1058. The proline at codon 353 is replaced by leucine, an amino acid with similar properties. This amino acid position is highly conserved in available vertebrate species. In addition, this alteration is predicted to be deleterious by in silico analysis. This variant was detected as heterozygous in individual(s) with no reported features of Oligodontia-cancer predisposition syndrome (Ambry internal data). Based on data from gnomAD, the frequency for this variant is above the maximum credible frequency for a disease-causing variant in this gene based on internally established thresholds (Karczewski et al. Nature. 2020 May;581(7809):434-443; Whiffin et al. Genet Med. 2017 10;19:1151-1158). Based on the available evidence, the clinical significance of this alteration remains unclear.

Labcorp Genetics (formerly Invitae), Labcorp
Classification: Uncertain significance for Oligodontia-cancer predisposition syndrome. Last evaluated: 2025-01-14. Review status: criteria provided, single submitter. Criteria: Invitae Variant Classification Sherloc (09022015). Collection method: clinical testing. Allele origin: germline.
Comment: This sequence change replaces proline, which is neutral and non-polar, with leucine, which is neutral and non-polar, at codon 353 of the AXIN2 protein (p.Pro353Leu). This variant is present in population databases (rs771677461, gnomAD 0.01%). This variant has not been reported in the literature in individuals affected with AXIN2-related conditions. ClinVar contains an entry for this variant (Variation ID: 464515). An algorithm developed to predict the effect of missense changes on protein structure and function (PolyPhen-2) suggests that this variant is likely to be disruptive. In summary, the available evidence is currently insufficient to determine the role of this variant in disease. Therefore, it has been classified as a Variant of Uncertain Significance.

Blueprint Genetics
Classification: Uncertain significance. Last evaluated: 2024-07-06. Review status: criteria provided, single submitter. Criteria: ACMG Guidelines, 2015. Collection method: clinical testing. Allele origin: germline.

GeneDx
Classification: Uncertain significance. Last evaluated: 2024-02-27. Review status: criteria provided, single submitter. Criteria: GeneDx Variant Classification Process June 2021. Collection method: clinical testing. Allele origin: germline. Affected: yes.
Comment: In silico analysis supports that this missense variant has a deleterious effect on protein structure/function; Identified in a patient with colorectal cancer in published literature (PMID: 32984025); This variant is associated with the following publications: (PMID: 15735151, 32984025)

Baylor Genetics
Classification: Uncertain significance for Colorectal cancer. Last evaluated: 2023-09-25. Review status: criteria provided, single submitter. Criteria: ACMG Guidelines, 2015. Collection method: clinical testing. Allele origin: unknown.

Literature cited by the submitters: PubMed 32984025 (cited by Ambry Genetics).

NM_004655.4(AXIN2):c.1058C>T (p.Pro353Leu)

Gene: AXIN2 (axin 2; minus strand). Cytogenetic location: 17q24.1.
Variant type: single nucleotide variant.
Coding change: c.1058C>T on transcript NM_004655.4 (MANE Select); coding-DNA position 1058, C replaced by T.
Protein change: p.Pro353Leu; replaces proline 353 with leucine.
Molecular consequence: missense variant.
Genome position (GRCh38, 1-based): chr17:65,541,456, G>A on the plus strand (C>T on the coding strand, the complement: AXIN2 is on the minus strand). VCF-style: chr17-65541456-G-A. GRCh37 (hg19) VCF-style: chr17-63537574-G-A.
Other names: c.1058C>T, p.Pro353Leu (NM_001363813.1); c.1058C>T (LRG_296t1); short protein forms P353L.
Identifiers: ClinVar variation 464515 (VCV000464515.15), dbSNP rs771677461, ClinGen allele CA8718895.